The following is an entry in ClinVar:

ClinVar aggregate classification (germline): Uncertain significance (1 of 4 stars; one submission).

Allele frequency attached by ClinVar (database versions not stated): TOPMed 0.00002.

Submission:

Labcorp Genetics (formerly Invitae), Labcorp
Classification: Uncertain significance. Last evaluated: 2022-03-18. Review status: criteria provided, single submitter. Criteria: Invitae Variant Classification Sherloc (09022015). Collection method: clinical testing. Allele origin: germline.
Comment: This variant has not been reported in the literature in individuals affected with MYO18B-related conditions. This sequence change replaces methionine, which is neutral and non-polar, with valine, which is neutral and non-polar, at codon 1285 of the MYO18B protein (p.Met1285Val). This variant is not present in population databases (gnomAD no frequency). Algorithms developed to predict the effect of missense changes on protein structure and function are either unavailable or do not agree on the potential impact of this missense change (SIFT: "Not Available"; PolyPhen-2: "Benign"; Align-GVGD: "Not Available"). In summary, the available evidence is currently insufficient to determine the role of this variant in disease. Therefore, it has been classified as a Variant of Uncertain Significance.

NM_032608.7(MYO18B):c.3853A>G (p.Met1285Val)

Gene: MYO18B (myosin XVIIIB; plus strand). Cytogenetic location: 22q12.1.
Variant type: single nucleotide variant.
Coding change: c.3853A>G on transcript NM_032608.7 (MANE Select); coding-DNA position 3853, A replaced by G.
Protein change: p.Met1285Val; replaces methionine 1285 with valine.
Molecular consequence: missense variant.
Genome position (GRCh38, 1-based): chr22:25,851,547, A>G. VCF-style: chr22-25851547-A-G. GRCh37 (hg19) VCF-style: chr22-26247514-A-G.
Other names: c.3856A>G, p.Met1286Val (NM_001318245.2); short protein forms M1285V, M1286V.
Identifiers: ClinVar variation 1963816 (VCV001963816.5), dbSNP rs1266480675, ClinGen allele CA411002764.
Genomic context (GRCh38, chr22:25,851,547, plus strand): 5'-GGGCTCACTCGCTTCCGCCGGCAATTCCAGGTGCTGGACGCTCCACTCCTGAAGAAGCTC[A>G]TGTCGACCTCCGAGGGAATAGATGAAAGGAAGGTAGGTGGAGCACATGCGAGAGGGGTGA-3'
Protein context (NP_115997.5, residues 1275-1295): VLDAPLLKKL[Met1285Val]STSEGIDERK